The following is an entry in ClinVar:

NM_024334.3(TMEM43):c.923C>T (p.Thr308Ile)

Gene: TMEM43 (transmembrane protein 43; plus strand). Cytogenetic location: 3p25.1.
Variant type: single nucleotide variant.
Coding change: c.923C>T on transcript NM_024334.3 (MANE Select); coding-DNA position 923, C replaced by T.
Protein change: p.Thr308Ile; replaces threonine 308 with isoleucine.
Molecular consequence: missense variant.
Genome position (GRCh38, 1-based): chr3:14,139,220, C>T. VCF-style: chr3-14139220-C-T. GRCh37 (hg19) VCF-style: chr3-14180720-C-T.
Other names: c.926C>T, p.Thr309Ile (NM_001407274.1); c.920C>T, p.Thr307Ile (NM_001407275.1, NM_001407276.1); c.917C>T, p.Thr306Ile (NM_001407277.1); c.908C>T, p.Thr303Ile (NM_001407278.1); c.848C>T, p.Thr283Ile (NM_001407279.1); c.773C>T, p.Thr258Ile (NM_001407280.1); short protein forms T308I, T307I, T309I, T283I, T303I, T306I, T258I.
Identifiers: ClinVar variation 2812304 (VCV002812304.3), dbSNP rs2470196705, ClinGen allele CA351536167.

ClinVar aggregate classification (germline): Uncertain significance (1 of 4 stars; one submission).

Conditions:
Arrhythmogenic right ventricular dysplasia 5. Also called: Arrhythmogenic Right Ventricular Dysplasia/Cardiomyopathy 5; ARRHYTHMOGENIC RIGHT VENTRICULAR DYSPLASIA, FAMILIAL, 5. Identifiers: MedGen C1858379, MONDO:0011459, OMIM 604400.

Allele frequency attached by ClinVar (database versions not stated): gnomAD exomes below 0.00001.
gnomAD v4.1: 2 of 1,614,174 alleles (0.00012%); highest among the groups gnomAD compares: South Asian, 0.0011%; no homozygotes.

Submission:

Labcorp Genetics (formerly Invitae), Labcorp
Classification: Uncertain significance for Arrhythmogenic right ventricular dysplasia 5. Last evaluated: 2022-11-06. Review status: criteria provided, single submitter. Criteria: Invitae Variant Classification Sherloc (09022015). Collection method: clinical testing. Allele origin: germline.
Comment: In summary, the available evidence is currently insufficient to determine the role of this variant in disease. Therefore, it has been classified as a Variant of Uncertain Significance. Advanced modeling of protein sequence and biophysical properties (such as structural, functional, and spatial information, amino acid conservation, physicochemical variation, residue mobility, and thermodynamic stability) has been performed at Invitae for this missense variant, however the output from this modeling did not meet the statistical confidence thresholds required to predict the impact of this variant on TMEM43 protein function. This variant has not been reported in the literature in individuals affected with TMEM43-related conditions. This variant is not present in population databases (gnomAD no frequency). This sequence change replaces threonine, which is neutral and polar, with isoleucine, which is neutral and non-polar, at codon 308 of the TMEM43 protein (p.Thr308Ile).